The following is an entry in ClinVar:

NM_000089.4(COL1A2):c.3496T>G (p.Leu1166Val)

Gene: COL1A2 (collagen type I alpha 2 chain; plus strand). Cytogenetic location: 7q21.3.
Variant type: single nucleotide variant.
Coding change: c.3496T>G on transcript NM_000089.4 (MANE Select); coding-DNA position 3496, T replaced by G.
Protein change: p.Leu1166Val; replaces leucine 1166 with valine.
Molecular consequence: missense variant.
Genome position (GRCh38, 1-based): chr7:94,427,855, T>G. VCF-style: chr7-94427855-T-G. GRCh37 (hg19) VCF-style: chr7-94057167-T-G.
Other names: short protein forms L1166V.
Identifiers: ClinVar variation 1731989 (VCV001731989.2), dbSNP rs2484738897, ClinGen allele CA368226084.
Genomic context (GRCh38, chr7:94,427,855, plus strand): 5'-ATTGAGACCCTTCTTACTCCTGAAGGCTCTAGAAAGAACCCAGCTCGCACATGCCGTGAC[T>G]TGAGACTCAGCCACCCAGAGTGGAGCAGTGGTAGGTCAAGATGTCCAGACCAGACTGACC-3'
Protein context (NP_000080.2, residues 1156-1176): RKNPARTCRD[Leu1166Val]RLSHPEWSSG

ClinVar aggregate classification (germline): Uncertain significance (1 of 4 stars; one submission).

Conditions:
Cardiovascular phenotype. Identifiers: MedGen CN230736.

Allele frequency attached by ClinVar (database versions not stated): gnomAD exomes below 0.00001.
gnomAD v4.1: 1 of 1,614,172 alleles (0.000062%); highest among the groups gnomAD compares: Non-Finnish European, 0.000085%; no homozygotes.

Submission:

Ambry Genetics
Classification: Uncertain significance for Cardiovascular phenotype. Last evaluated: 2022-05-23. Review status: criteria provided, single submitter. Criteria: Ambry Variant Classification Scheme 2023. Collection method: clinical testing. Allele origin: germline.
Comment: The p.L1166V variant (also known as c.3496T>G), located in coding exon 49 of the COL1A2 gene, results from a T to G substitution at nucleotide position 3496. The leucine at codon 1166 is replaced by valine, an amino acid with highly similar properties. This amino acid position is well conserved in available vertebrate species. In addition, the in silico prediction for this alteration is inconclusive. Since supporting evidence is limited at this time, the clinical significance of this alteration remains unclear.